The following is an entry in ClinVar:

ClinVar aggregate classification (germline): Benign/Likely benign. Review status: criteria provided, multiple submitters, no conflicts (2 of 4 stars). 3 submissions from 3 submitters: Benign (2); Likely benign (1). Last evaluated 2021-05-29.

Conditions:
Familial X-linked hypophosphatemic vitamin D refractory rickets (XLHRD). Also called: X-Linked Hypophosphatemia; HYPOPHOSPHATEMIC VITAMIN D-RESISTANT RICKETS; Hypophosphatemic Rickets, X-Linked Dominant; Hypophosphatemia, vitamin D-resistant rickets; Vitamin D-resistant rickets, X-linked. Identifiers: Orphanet 89936, MedGen C0733682, MONDO:0010619, OMIM 307800.

Allele frequency attached by ClinVar (database versions not stated): 1000 Genomes Project 30x 0.01124; 1000 Genomes Project 0.01139; gnomAD 0.01200 and 0.01269; TOPMed 0.01373.
gnomAD v4.1: 2,108 of 589,943 alleles (0.36%); highest among the groups gnomAD compares: African/African-American, 4.1%; 34 homozygotes.

Submissions (3):

GeneDx
Classification: Likely benign. Last evaluated: 2021-05-29. Review status: criteria provided, single submitter. Criteria: GeneDx Variant Classification Process June 2021. Collection method: clinical testing. Allele origin: germline. Affected: yes.
Comment: See Variant Classification Assertion Criteria.

Illumina Laboratory Services, Illumina
Classification: Benign for Familial X-linked hypophosphatemic vitamin D refractory rickets. Last evaluated: 2018-01-13. Review status: criteria provided, single submitter. Criteria: ICSL Variant Classification Criteria 13 December 2019. Collection method: clinical testing. Allele origin: germline.
Comment: This variant was observed in the ICSL laboratory as part of a predisposition screen in an ostensibly healthy population. It had not been previously curated by ICSL or reported in the Human Gene Mutation Database (HGMD: prior to June 1st, 2018), and was therefore a candidate for classification through an automated scoring system. Utilizing variant allele frequency, disease prevalence and penetrance estimates, and inheritance mode, an automated score was calculated to assess if this variant is too frequent to cause the disease. Based on the score and internal cut-off values, a variant classified as benign is not then subjected to further curation. The score for this variant resulted in a classification of benign for this disease.

Breakthrough Genomics
Classification: Benign. Review status: criteria provided, single submitter. Criteria: ACMG Guidelines, 2015. Collection method: not provided. Allele origin: germline. Inheritance: X-linked inheritance. Affected: yes.

NM_000444.6(PHEX):c.-108A>G

Gene: PHEX (phosphate regulating endopeptidase X-linked; plus strand). Cytogenetic location: Xp22.11.
Variant type: single nucleotide variant.
Coding change: c.-108A>G on transcript NM_000444.6 (MANE Select); 108 bases upstream of the start codon, A replaced by G.
Molecular consequence: 5 prime UTR variant.
Genome position (GRCh38, 1-based): chrX:22,032,898, A>G. VCF-style: chrX-22032898-A-G. GRCh37 (hg19) VCF-style: chrX-22051016-A-G.
Other names: c.-108A>G (NM_001282754.2).
Identifiers: ClinVar variation 368154 (VCV000368154.7), dbSNP rs149541983, ClinGen allele CA10651805.